The following is an entry in ClinVar:

NM_014994.3(MAPKBP1):c.1729C>T (p.Arg577Cys)

Gene: MAPKBP1 (mitogen-activated protein kinase binding protein 1; plus strand). Cytogenetic location: 15q15.1.
Variant type: single nucleotide variant.
Coding change: c.1729C>T on transcript NM_014994.3 (MANE Select); coding-DNA position 1729, C replaced by T.
Protein change: p.Arg577Cys; replaces arginine 577 with cysteine.
Molecular consequence: missense variant. On other transcripts: non-coding transcript variant (2).
Genome position (GRCh38, 1-based): chr15:41,817,405, C>T. VCF-style: chr15-41817405-C-T. GRCh37 (hg19) VCF-style: chr15-42109603-C-T.
Other names: c.1747C>T (NM_001128608.1); c.1747C>T, p.Arg583Cys (NM_001128608.2); c.1729C>T, p.Arg577Cys (NM_001265611.2); short protein forms R577C, R583C.
Identifiers: ClinVar variation 2053338 (VCV002053338.5), dbSNP rs376719149, ClinGen allele CA7497926.

ClinVar aggregate classification (germline): Uncertain significance. Review status: criteria provided, multiple submitters, no conflicts (2 of 4 stars). 2 submissions from 2 submitters: Uncertain significance (2). Last evaluated 2025-04-14.

Conditions:
Inborn genetic diseases. Identifiers: MedGen C0950123, MeSH D030342.

Allele frequency attached by ClinVar (database versions not stated): ESP Exome Variant Server 0.00008; gnomAD exomes 0.00009; ExAC 0.00010; TOPMed 0.00016; gnomAD 0.00019; 1000 Genomes Project 30x 0.00031.
gnomAD v4.1: 165 of 1,613,976 alleles (0.01%); highest among the groups gnomAD compares: African/African-American, 0.033%; no homozygotes.

Submissions (2):

Labcorp Genetics (formerly Invitae), Labcorp
Classification: Uncertain significance. Last evaluated: 2025-04-14. Review status: criteria provided, single submitter. Criteria: Invitae Variant Classification Sherloc (09022015). Collection method: clinical testing. Allele origin: germline.
Comment: This sequence change replaces arginine, which is basic and polar, with cysteine, which is neutral and slightly polar, at codon 583 of the MAPKBP1 protein (p.Arg583Cys). This variant is present in population databases (rs376719149, gnomAD 0.06%). This variant has not been reported in the literature in individuals affected with MAPKBP1-related conditions. ClinVar contains an entry for this variant (Variation ID: 2053338). An algorithm developed to predict the effect of missense changes on protein structure and function (PolyPhen-2) suggests that this variant is likely to be disruptive. In summary, the available evidence is currently insufficient to determine the role of this variant in disease. Therefore, it has been classified as a Variant of Uncertain Significance.

Ambry Genetics
Classification: Uncertain significance for Inborn genetic diseases. Last evaluated: 2023-12-01. Review status: criteria provided, single submitter. Criteria: Ambry Variant Classification Scheme 2023. Collection method: clinical testing. Allele origin: germline.